The following is an entry in ClinVar:

ClinVar aggregate classification (germline): Likely benign. Review status: criteria provided, multiple submitters, no conflicts (2 of 4 stars). 2 submissions from 2 submitters: Likely benign (2). Last evaluated 2025-05-30.

Conditions:
RYR1-related disorder. Also called: RYR1-related condition; RYR1-related disorders. Identifiers: MedGen CN239331.
Malignant hyperthermia, susceptibility to, 1 (MHS1). Also called: RYR1-Related Malignant Hyperthermia Susceptibility; Anesthesia related hyperthermia; Malignant hyperpyrexia; Fulminating hyperpyrexia; Pharmacogenic myopathy; Malignant hyperthermia suceptibility 1. Identifiers: Orphanet 423, MedGen C2930980, MONDO:0007783, OMIM 145600.

Allele frequency attached by ClinVar (database versions not stated): gnomAD exomes 0.00001 and 0.00002; TOPMed 0.00002.
gnomAD v4.1: 5 of 1,599,444 alleles (0.00031%); highest among the groups gnomAD compares: Admixed American, 0.005%; no homozygotes.

Submissions (2):

Labcorp Genetics (formerly Invitae), Labcorp
Classification: Likely benign for RYR1-related disorder. Last evaluated: 2025-05-30. Review status: criteria provided, single submitter. Criteria: Invitae Variant Classification Sherloc (09022015). Collection method: clinical testing. Allele origin: germline.

All of Us Research Program, National Institutes of Health
Classification: Likely benign for Malignant hyperthermia, susceptibility to, 1. Last evaluated: 2024-05-14. Review status: criteria provided, single submitter. Criteria: ACMG Guidelines, 2015. Collection method: clinical testing. Allele origin: germline. Inheritance: Autosomal dominant inheritance. Observed: 1 variant allele, 1 heterozygote.
Comment: This study involves interpretation of variants in research participants for the purpose of population health screening. Participant phenotype was not available at the time of variant classification. Additional details can be found in publication PMID: 35346344, PMCID: PMC8962531

NM_000540.3(RYR1):c.7062G>A (p.Val2354=)

Gene: RYR1 (ryanodine receptor 1; plus strand). Cytogenetic location: 19q13.2.
Variant type: single nucleotide variant.
Coding change: c.7062G>A on transcript NM_000540.3 (MANE Select); coding-DNA position 7062, G replaced by A.
Protein change: p.Val2354=; no amino-acid change (valine 2354 retained).
Molecular consequence: synonymous variant.
Genome position (GRCh38, 1-based): chr19:38,499,669, G>A. VCF-style: chr19-38499669-G-A. GRCh37 (hg19) VCF-style: chr19-38990309-G-A.
Other names: c.7062G>A, p.Val2354= (NM_001042723.2).
Identifiers: ClinVar variation 1077962 (VCV001077962.10), dbSNP rs1378979959, ClinGen allele CA507353827.